The following is an entry in ClinVar:

NM_001793.6(CDH3):c.691+1G>C

Gene: CDH3 (cadherin 3; plus strand). Cytogenetic location: 16q22.1.
Variant type: single nucleotide variant.
Coding change: c.691+1G>C on transcript NM_001793.6 (MANE Select); the canonical splice donor site of the intron after coding-DNA position 691, G replaced by C.
Molecular consequence: splice donor variant.
Genome position (GRCh38, 1-based): chr16:68,678,907, G>C. VCF-style: chr16-68678907-G-C. GRCh37 (hg19) VCF-style: chr16-68712810-G-C.
Other names: c.526+1G>C (NM_001317196.2); c.691+1G>C (NM_001317195.3).
Identifiers: ClinVar variation 1484356 (VCV001484356.6), dbSNP rs758051035, ClinGen allele CA396449834.

ClinVar aggregate classification (germline): Likely pathogenic (1 of 4 stars; one submission).

gnomAD v4.1: 1 of 1,613,374 alleles (0.000062%); highest among the groups gnomAD compares: Non-Finnish European, 0.000085%; no homozygotes.

Submission:

Labcorp Genetics (formerly Invitae), Labcorp
Classification: Likely pathogenic. Last evaluated: 2024-10-14. Review status: criteria provided, single submitter. Criteria: Invitae Variant Classification Sherloc (09022015). Collection method: clinical testing. Allele origin: germline.
Comment: This sequence change affects a donor splice site in intron 6 of the CDH3 gene. It is expected to disrupt RNA splicing. Variants that disrupt the donor or acceptor splice site typically lead to a loss of protein function (PMID: 16199547), and loss-of-function variants in CDH3 are known to be pathogenic (PMID: 15805154, 27386845, 29620724). This variant is not present in population databases (gnomAD no frequency). This variant has not been reported in the literature in individuals affected with CDH3-related conditions. ClinVar contains an entry for this variant (Variation ID: 1484356). Algorithms developed to predict the effect of sequence changes on RNA splicing suggest that this variant may disrupt the consensus splice site. In summary, the currently available evidence indicates that the variant is pathogenic, but additional data are needed to prove that conclusively. Therefore, this variant has been classified as Likely Pathogenic.

Literature cited by the submitters: PubMed 16199547; PubMed 15805154; PubMed 27386845; PubMed 29620724.